The following is an entry in ClinVar:

NM_018127.7(ELAC2):c.1080-3C>T

Gene: ELAC2 (elaC ribonuclease Z 2; minus strand). Cytogenetic location: 17p12.
Variant type: single nucleotide variant.
Coding change: c.1080-3C>T on transcript NM_018127.7 (MANE Select); 3 bases into the intron before coding-DNA position 1080, C replaced by T.
Molecular consequence: intron variant.
Genome position (GRCh38, 1-based): chr17:13,002,582, G>A on the plus strand (C>T on the coding strand, the complement: ELAC2 is on the minus strand). VCF-style: chr17-13002582-G-A. GRCh37 (hg19) VCF-style: chr17-12905899-G-A.
Other names: c.960-3C>T (NM_001165962.2); c.1080-3C>T (NM_173717.2, NM_018127.6).
Identifiers: ClinVar variation 1497003 (VCV001497003.5), dbSNP rs538756575, ClinGen allele CA8401349.

ClinVar aggregate classification (germline): Uncertain significance. Review status: criteria provided, multiple submitters, no conflicts (2 of 4 stars). 3 submissions from 3 submitters: Uncertain significance (3). Last evaluated 2024-12-13.

Conditions:
Combined oxidative phosphorylation defect type 17. Also called: Combined oxidative phosphorylation deficiency 17. Identifiers: Orphanet 369913, MedGen C3809526, MONDO:0014190, OMIM 615440.
Inborn genetic diseases. Identifiers: MedGen C0950123, MeSH D030342.

Allele frequency attached by ClinVar (database versions not stated): gnomAD exomes below 0.00001; ExAC 0.00002; TOPMed 0.00002.
gnomAD v4.1: 8 of 1,597,868 alleles (0.0005%); highest among the groups gnomAD compares: Admixed American, 0.0017%; no homozygotes.

Submissions (3):

Ambry Genetics
Classification: Uncertain significance for Inborn genetic diseases. Last evaluated: 2024-12-13. Review status: criteria provided, single submitter. Criteria: Ambry Variant Classification Scheme 2023. Collection method: clinical testing. Allele origin: germline.
Comment: The c.1080-3C>T intronic alteration consists of a C to T substitution 3 nucleotides before coding exon 13 in the ELAC2 gene. Based on insufficient or conflicting evidence, the clinical significance of this alteration remains unclear.

Labcorp Genetics (formerly Invitae), Labcorp
Classification: Uncertain significance for Combined oxidative phosphorylation defect type 17. Last evaluated: 2022-07-19. Review status: criteria provided, single submitter. Criteria: Invitae Variant Classification Sherloc (09022015). Collection method: clinical testing. Allele origin: germline.
Comment: This sequence change falls in intron 12 of the ELAC2 gene. It does not directly change the encoded amino acid sequence of the ELAC2 protein. It affects a nucleotide within the consensus splice site. The frequency data for this variant in the population databases is considered unreliable, as metrics indicate poor data quality at this position in the gnomAD database. This variant has not been reported in the literature in individuals affected with ELAC2-related conditions. ClinVar contains an entry for this variant (Variation ID: 1497003). Variants that disrupt the consensus splice site are a relatively common cause of aberrant splicing (PMID: 17576681, 9536098). Algorithms developed to predict the effect of sequence changes on RNA splicing suggest that this variant is not likely to affect RNA splicing. In summary, the available evidence is currently insufficient to determine the role of this variant in disease. Therefore, it has been classified as a Variant of Uncertain Significance.

Breakthrough Genomics
Classification: Uncertain significance. Review status: criteria provided, single submitter. Criteria: ACMG Guidelines, 2015. Collection method: not provided. Allele origin: germline. Inheritance: Autosomal recessive inheritance. Affected: yes.

Literature cited by the submitters: PubMed 17576681 (cited by Labcorp Genetics (formerly Invitae), Labcorp); PubMed 9536098 (cited by Labcorp Genetics (formerly Invitae), Labcorp).